The following is an entry in ClinVar:

ClinVar aggregate classification (germline): Uncertain significance (1 of 4 stars; one submission).

Conditions:
Isolated microphthalmia 5. Also called: Posterior Microphthalmia with Retinitis Pigmentosa, Foveoschisis, and Optic Disc Drusen. Identifiers: Orphanet 251279, MedGen C1970236, MONDO:0012605, OMIM 611040.

Allele frequency attached by ClinVar (database versions not stated): gnomAD exomes 0.00002.
gnomAD v4.1: 26 of 1,603,938 alleles (0.0016%); highest among the groups gnomAD compares: Non-Finnish European, 0.002%; no homozygotes.

Submission:

Labcorp Genetics (formerly Invitae), Labcorp
Classification: Uncertain significance for Isolated microphthalmia 5. Last evaluated: 2022-04-01. Review status: criteria provided, single submitter. Criteria: Invitae Variant Classification Sherloc (09022015). Collection method: clinical testing. Allele origin: germline.
Comment: In summary, the available evidence is currently insufficient to determine the role of this variant in disease. Therefore, it has been classified as a Variant of Uncertain Significance. Algorithms developed to predict the effect of sequence changes on RNA splicing suggest that this variant may disrupt the consensus splice site. Algorithms developed to predict the effect of missense changes on protein structure and function are either unavailable or do not agree on the potential impact of this missense change (SIFT: "Deleterious"; PolyPhen-2: "Probably Damaging"; Align-GVGD: "Class C15"). This variant has not been reported in the literature in individuals affected with MFRP-related conditions. The frequency data for this variant in the population databases is considered unreliable, as metrics indicate poor data quality at this position in the gnomAD database. This sequence change replaces glycine, which is neutral and non-polar, with arginine, which is basic and polar, at codon 378 of the MFRP protein (p.Gly378Arg).

NM_031433.4(MFRP):c.1132G>A (p.Gly378Arg)

Genes: C1QTNF5 (C1q and TNF related 5; minus strand), MFRP (membrane frizzled-related protein; minus strand). Cytogenetic location: 11q23.3.
Variant type: single nucleotide variant.
Coding change: c.1132G>A on transcript NM_031433.4 (MANE Select); coding-DNA position 1132, G replaced by A.
Protein change: p.Gly378Arg; replaces glycine 378 with arginine.
Molecular consequence: missense variant. On other transcripts: 5 prime UTR variant (1).
Genome position (GRCh38, 1-based): chr11:119,342,996, C>T on the plus strand (G>A on the coding strand, the complement: MFRP is on the minus strand). VCF-style: chr11-119342996-C-T. GRCh37 (hg19) VCF-style: chr11-119213706-C-T.
Other names: c.-1505G>A (NM_015645.5); short protein forms G378R.
Identifiers: ClinVar variation 2157980 (VCV002157980.3), dbSNP rs1011833093, ClinGen allele CA229675658.